The following is an entry in ClinVar:

ClinVar aggregate classification (germline): Likely benign (1 of 4 stars; one submission).

Conditions:
Autosomal recessive nonsyndromic hearing loss 24. Identifiers: Orphanet 90636, MedGen C1970239, MONDO:0012602, OMIM 611022.

Allele frequency attached by ClinVar (database versions not stated): gnomAD 0.02018 and 0.02156; TOPMed 0.02079; 1000 Genomes Project 0.02236; 1000 Genomes Project 30x 0.02374.

Submission:

Illumina Laboratory Services, Illumina
Classification: Likely benign for Autosomal recessive nonsyndromic hearing loss 24. Last evaluated: 2018-01-13. Review status: criteria provided, single submitter. Criteria: ICSL Variant Classification Criteria 13 December 2019. Collection method: clinical testing. Allele origin: germline.
Comment: This variant was observed in the ICSL laboratory as part of a predisposition screen in an ostensibly healthy population. It had not been previously curated by ICSL or reported in the Human Gene Mutation Database (HGMD: prior to June 1st, 2018), and was therefore a candidate for classification through an automated scoring system. Utilizing variant allele frequency, disease prevalence and penetrance estimates, and inheritance mode, an automated score was calculated to assess if this variant is too frequent to cause the disease. Based on the score and internal cut-off values, a variant classified as likely benign is not then subjected to further curation. The score for this variant resulted in a classification of likely benign for this disease.

NM_002906.4(RDX):c.-105C>T

Gene: RDX (radixin; minus strand). Cytogenetic location: 11q22.3.
Variant type: single nucleotide variant.
Coding change: c.-105C>T on transcript NM_002906.4 (MANE Select); 105 bases upstream of the start codon, C replaced by T.
Molecular consequence: 5 prime UTR variant.
Genome position (GRCh38, 1-based): chr11:110,296,507, G>A on the plus strand (C>T on the coding strand, the complement: RDX is on the minus strand). VCF-style: chr11-110296507-G-A. GRCh37 (hg19) VCF-style: chr11-110167232-G-A.
Other names: c.-105C>T (NM_001260492.2, NM_001260493.2, NM_001260496.2); c.-142C>T (NM_001260494.2); c.-199C>T (NM_001260495.2).
Identifiers: ClinVar variation 302358 (VCV000302358.5), dbSNP rs78818014, ClinGen allele CA10637125.